The following is an entry in ClinVar:

ClinVar aggregate classification (germline): Uncertain significance. Review status: criteria provided, multiple submitters, no conflicts (2 of 4 stars). 2 submissions from 2 submitters: Uncertain significance (2). Last evaluated 2025-05-17.

Conditions:
Cerebrooculofacioskeletal syndrome 3 (COFS3). Identifiers: MedGen C1851443, MONDO:0014696, OMIM 616570.

Allele frequency attached by ClinVar (database versions not stated): ExAC 0.00002; gnomAD exomes 0.00002 and 0.00006; gnomAD 0.00003; TOPMed 0.00006.

Submissions (2):

GeneDx
Classification: Uncertain significance. Last evaluated: 2025-05-17. Review status: criteria provided, single submitter. Criteria: GeneDx Variant Classification Process June 2021. Collection method: clinical testing. Allele origin: germline. Affected: yes.
Comment: Reported in an individual with papillary thyroid cancer (PMID: 33821390); In silico analysis suggests that this missense variant does not alter protein structure/function; This variant is associated with the following publications: (PMID: 33821390)

Baylor Genetics
Classification: Uncertain significance for Cerebrooculofacioskeletal syndrome 3. Last evaluated: 2019-01-17. Review status: criteria provided, single submitter. Criteria: ACMG Guidelines, 2015. Collection method: clinical testing. Allele origin: unknown. Affected: yes. Study: CSER-TexasKidsCanSeq.
Comment: This variant was determined to be of uncertain significance according to ACMG Guidelines, 2015 [PMID:25741868].

NM_000123.4(ERCC5):c.844G>A (p.Val282Ile)

Genes: BIVM-ERCC5 (BIVM-ERCC5 readthrough; plus strand), ERCC5 (ERCC excision repair 5, endonuclease; plus strand). Cytogenetic location: 13q33.1.
Variant type: single nucleotide variant.
Coding change: c.844G>A on transcript NM_000123.4 (MANE Select); coding-DNA position 844, G replaced by A.
Protein change: p.Val282Ile; replaces valine 282 with isoleucine.
Molecular consequence: missense variant.
Genome position (GRCh38, 1-based): chr13:102,861,678, G>A. VCF-style: chr13-102861678-G-A. GRCh37 (hg19) VCF-style: chr13-103514028-G-A.
Other names: c.2206G>A, p.Val736Ile (NM_001204425.2); short protein forms V282I, V736I.
Identifiers: ClinVar variation 998180 (VCV000998180.2), dbSNP rs747651424, ClinGen allele CA7041282.